The following is an entry in ClinVar:

NM_015073.3(SIPA1L3):c.5248C>T (p.Arg1750Trp)

Gene: SIPA1L3 (signal induced proliferation associated 1 like 3; plus strand). Cytogenetic location: 19q13.2.
Variant type: single nucleotide variant.
Coding change: c.5248C>T on transcript NM_015073.3 (MANE Select); coding-DNA position 5248, C replaced by T.
Protein change: p.Arg1750Trp; replaces arginine 1750 with tryptophan.
Molecular consequence: missense variant.
Genome position (GRCh38, 1-based): chr19:38,206,142, C>T. VCF-style: chr19-38206142-C-T. GRCh37 (hg19) VCF-style: chr19-38696782-C-T.
Other names: short protein forms R1750W.
Identifiers: ClinVar variation 931643 (VCV000931643.3), dbSNP rs1261792226, ClinGen allele CA405616789.

ClinVar aggregate classification (germline): Uncertain significance (1 of 4 stars; one submission).

Conditions:
Cataract 45 (CTRCT45). Identifiers: Orphanet 91492, MedGen C4225182, MONDO:0014799, OMIM 616851.

gnomAD v4.1: 4 of 1,551,022 alleles (0.00026%); highest among the groups gnomAD compares: Non-Finnish European, 0.00035%; no homozygotes.

Submission:

Centre for Mendelian Genomics, University Medical Centre Ljubljana
Classification: Uncertain significance for Cataract 45. Last evaluated: 2020-01-07. Review status: criteria provided, single submitter. Criteria: ACMG Guidelines, 2015. Collection method: clinical testing. Allele origin: unknown. Affected: yes.
Comment: This variant was classified as: Uncertain significance. The available evidence favors the pathogenic nature of this variant, however the currently available data is insufficient to conclusively support its pathogenic nature. Thus this variant is classified as Uncertain significance - favor pathogenic. The following ACMG criteria were applied in classifying this variant: PM2.